The following is an entry in ClinVar:

ClinVar aggregate classification (germline): Uncertain significance (1 of 4 stars; one submission).

Conditions:
Hereditary cancer-predisposing syndrome. Also called: Tumor predisposition; Hereditary neoplastic syndrome; Neoplastic Syndromes, Hereditary; Hereditary Cancer Syndrome. Identifiers: Orphanet 140162, MedGen C0027672, MeSH D009386, MONDO:0015356.

Submission:

Ambry Genetics
Classification: Uncertain significance for Hereditary cancer-predisposing syndrome. Last evaluated: 2025-05-19. Review status: criteria provided, single submitter. Criteria: Ambry Variant Classification Scheme 2023. Collection method: clinical testing. Allele origin: germline.
Comment: The p.L723V variant (also known as c.2167C>G), located in coding exon 14 of the CDH1 gene, results from a C to G substitution at nucleotide position 2167. The leucine at codon 723 is replaced by valine, an amino acid with highly similar properties. This amino acid position is conserved. In addition, the in silico prediction for this alteration is inconclusive. Based on the available evidence, the clinical significance of this variant remains unclear.

NM_004360.5(CDH1):c.2167C>G (p.Leu723Val)

Gene: CDH1 (cadherin 1; plus strand). Cytogenetic location: 16q22.1.
Variant type: single nucleotide variant.
Coding change: c.2167C>G on transcript NM_004360.5 (MANE Select); coding-DNA position 2167, C replaced by G.
Protein change: p.Leu723Val; replaces leucine 723 with valine.
Molecular consequence: missense variant.
Genome position (GRCh38, 1-based): chr16:68,828,176, C>G. VCF-style: chr16-68828176-C-G. GRCh37 (hg19) VCF-style: chr16-68862079-C-G.
Other names: c.1984C>G, p.Leu662Val (NM_001317184.2); c.619C>G, p.Leu207Val (NM_001317185.2); c.202C>G, p.Leu68Val (NM_001317186.2); short protein forms L662V, L68V, L723V, L207V.
Identifiers: ClinVar variation 3998777 (VCV003998777.1).